The following is an entry in ClinVar:

NM_000211.5(ITGB2):c.1958C>T (p.Ser653Leu)

Gene: ITGB2 (integrin subunit beta 2; minus strand). Cytogenetic location: 21q22.3.
Variant type: single nucleotide variant.
Coding change: c.1958C>T on transcript NM_000211.5 (MANE Select); coding-DNA position 1958, C replaced by T.
Protein change: p.Ser653Leu; replaces serine 653 with leucine.
Molecular consequence: missense variant.
Genome position (GRCh38, 1-based): chr21:44,888,815, G>A on the plus strand (C>T on the coding strand, the complement: ITGB2 is on the minus strand). VCF-style: chr21-44888815-G-A. GRCh37 (hg19) VCF-style: chr21-46308730-G-A.
Other names: c.1958C>T, p.Ser653Leu (NM_001127491.3); c.1751C>T, p.Ser584Leu (NM_001303238.2); short protein forms S584L, S653L.
Identifiers: ClinVar variation 1007491 (VCV001007491.12), dbSNP rs899349769, ClinGen allele CA410483594.

ClinVar aggregate classification (germline): Uncertain significance (1 of 4 stars; one submission).

Conditions:
Leukocyte adhesion deficiency 1 (LAD1). Also called: LEUKOCYTE ADHESION DEFICIENCY, TYPE I; LAD 1; Lymphocyte function-associated antigen 1 immunodeficiency; LFA 1 immunodeficiency. Identifiers: Orphanet 2968, Orphanet 99842, MedGen C0398738, MONDO:0007293, OMIM 116920.

Allele frequency attached by ClinVar (database versions not stated): gnomAD exomes 0.00001.
gnomAD v4.1: 10 of 1,611,482 alleles (0.00062%); highest among the groups gnomAD compares: Non-Finnish European, 0.00085%; no homozygotes.

Submission:

Labcorp Genetics (formerly Invitae), Labcorp
Classification: Uncertain significance for Leukocyte adhesion deficiency 1. Last evaluated: 2022-08-09. Review status: criteria provided, single submitter. Criteria: Invitae Variant Classification Sherloc (09022015). Collection method: clinical testing. Allele origin: germline.
Comment: In summary, the available evidence is currently insufficient to determine the role of this variant in disease. Therefore, it has been classified as a Variant of Uncertain Significance. This sequence change replaces serine, which is neutral and polar, with leucine, which is neutral and non-polar, at codon 653 of the ITGB2 protein (p.Ser653Leu). This variant is present in population databases (no rsID available, gnomAD 0.002%). This variant has not been reported in the literature in individuals affected with ITGB2-related conditions. ClinVar contains an entry for this variant (Variation ID: 1007491). Algorithms developed to predict the effect of missense changes on protein structure and function output the following: SIFT: "Tolerated"; PolyPhen-2: "Benign"; Align-GVGD: "Class C0". The leucine amino acid residue is found in multiple mammalian species, which suggests that this missense change does not adversely affect protein function.